The following is an entry in ClinVar:

ClinVar aggregate classification (germline): Pathogenic. Review status: criteria provided, multiple submitters, no conflicts (2 of 4 stars). 5 submissions from 5 submitters: Pathogenic (4). 1 of the submissions does not count toward it. Last evaluated 2024-09-05.

Conditions:
CEP55-related disorder. Also called: CEP55-related condition.
Multinucleated neurons-anhydramnios-renal dysplasia-cerebellar hypoplasia-hydranencephaly syndrome. Also called: Hydranencephaly with renal aplasia-dysplasia. Identifiers: Orphanet 500135, MedGen C1856053, MONDO:0009359, OMIM 236500.

Allele frequency attached by ClinVar (database versions not stated): gnomAD exomes 0.00001 and 0.00002; ExAC 0.00002; TOPMed 0.00002.
gnomAD v4.1: 11 of 1,614,072 alleles (0.00068%); highest among the groups gnomAD compares: Non-Finnish European, 0.00076%; no homozygotes.

Submissions (5):

Women's Health and Genetics/Laboratory Corporation of America, LabCorp
Classification: Pathogenic for Multinucleated neurons-anhydramnios-renal dysplasia-cerebellar hypoplasia-hydranencephaly syndrome. Last evaluated: 2024-09-05. Review status: criteria provided, single submitter. Criteria: LabCorp Variant Classification Summary - May 2015. Collection method: clinical testing. Allele origin: germline.
Comment: Variant summary: CEP55 c.1274C>A (p.Ser425X) results in a premature termination codon, predicted to cause a truncation of the encoded protein. The variant allele was found at a frequency of 1.2e-05 in 251382 control chromosomes, predominantly at a frequency of 2.6e-05 within the Non-Finnish European subpopulation in the gnomAD database. c.1274C>A has been reported in the literature in multiple individuals affected with MARCH syndrome (Barrie_2020, Frosk_2017). These data indicate that the variant is very likely to be associated with disease. At least one publication reports experimental evidence evaluating an impact on protein function. The most pronounced variant effect results in failure to rescue the jaw/cerebellar phenotypes in CEP55 null zebrafish using complementation assays (Frosk_2017). The following publications have been ascertained in the context of this evaluation (PMID: 32100459, 28264986). ClinVar contains an entry for this variant (Variation ID: 437874). Based on the evidence outlined above, the variant was classified as pathogenic.

Blueprint Genetics
Classification: Pathogenic for CEP55-related disorders. Last evaluated: 2024-01-18. Review status: criteria provided, single submitter. Criteria: ACMG Guidelines, 2015. Collection method: clinical testing. Allele origin: germline. Affected: yes. Observed: 5 variant alleles.

Revvity Omics, Revvity
Classification: Pathogenic for Multinucleated neurons-anhydramnios-renal dysplasia-cerebellar hypoplasia-hydranencephaly syndrome. Last evaluated: 2021-08-31. Review status: criteria provided, single submitter. Criteria: ACMG Guidelines, 2015. Collection method: clinical testing. Allele origin: germline.

Institute for Genomic Medicine (IGM) Clinical Laboratory, Nationwide Children's Hospital
Classification: Pathogenic for Multinucleated neurons, anhydramnios, renal dysplasia, cerebellar hypoplasia, and hydranencephaly. Last evaluated: 2018-07-30. Review status: criteria provided, single submitter. Criteria: ACMG Guidelines, 2015. Collection method: clinical testing. Allele origin: germline. Affected: yes.
Comment: PVS1, PS3, PM2, PP1; This paternally-inherited nonsense variant [c.1274C>A, (p.Ser425Ter)] is predicted to be a truncating alteration in a gene where loss-of-function is a known mechanism of disease (ACMG: PVS1). In vitro studies of this variant demonstrated decreased mRNA expression and mislocalization of the protein (PMID: 28264986) (ACMG: PS3). The variant is rare in large-scale population databases (ACMG: PM2), yet homozygosity for this variant has been observed to cosegregate with disease (MARCH syndrome) in a family with multiple affected children (PMID: 28264986)(ACMG: PP1). No evidence was found to support any of the Benign ACMG criteria, therefore this alteration meets ACMG guidelines for classification as a Pathogenic variant. This second alteration, presumably in trans (ACMG: PM3), was also rare in large-scale population databases (ACMG: PM2); however, insufficient evidence was available to warrant pathogenic or likely pathogenic classification using ACMG criteria.

OMIM
Classification: Pathogenic for MULTINUCLEATED NEURONS, ANHYDRAMNIOS, RENAL DYSPLASIA, CEREBELLAR HYPOPLASIA, AND HYDRANENCEPHALY. Last evaluated: 2017-08-28. Review status: no assertion criteria provided. Collection method: literature only. Allele origin: germline. Not counted in ClinVar's aggregate classification.

Literature cited by the submitters: PubMed 32100459 (cited by Women's Health and Genetics/Laboratory Corporation of America, LabCorp); PubMed 28264986 (cited by 3 submitters).

NM_018131.5(CEP55):c.1274C>A (p.Ser425Ter)

Gene: CEP55 (centrosomal protein 55; plus strand). Cytogenetic location: 10q23.33.
Variant type: single nucleotide variant.
Coding change: c.1274C>A on transcript NM_018131.5 (MANE Select); coding-DNA position 1274, C replaced by A.
Protein change: p.Ser425Ter; replaces serine 425 with a stop codon.
Molecular consequence: nonsense.
Genome position (GRCh38, 1-based): chr10:93,528,032, C>A. VCF-style: chr10-93528032-C-A. GRCh37 (hg19) VCF-style: chr10-95287789-C-A.
Other names: CEP55, SER425TER (rs201430235); c.1274C>A, p.Ser425Ter (NM_001127182.2); short protein forms S425*.
Identifiers: ClinVar variation 437874 (VCV000437874.11), dbSNP rs201430235, ClinGen allele CA5609159.